The following is an entry in ClinVar:

ClinVar aggregate classification (germline): Uncertain significance. Review status: criteria provided, multiple submitters, no conflicts (2 of 4 stars). 2 submissions from 2 submitters: Uncertain significance (2). Last evaluated 2024-12-09.

Conditions:
Inborn genetic diseases. Identifiers: MedGen C0950123, MeSH D030342.
Disseminated atypical mycobacterial infection. Identifiers: MedGen C0694566.

Allele frequency attached by ClinVar (database versions not stated): gnomAD exomes below 0.00001; TOPMed 0.00001.
gnomAD v4.1: 6 of 1,611,986 alleles (0.00037%); highest among the groups gnomAD compares: Non-Finnish European, 0.00051%; no homozygotes.

Submissions (2):

Labcorp Genetics (formerly Invitae), Labcorp
Classification: Uncertain significance for Disseminated atypical mycobacterial infection. Last evaluated: 2024-12-09. Review status: criteria provided, single submitter. Criteria: Invitae Variant Classification Sherloc (09022015). Collection method: clinical testing. Allele origin: germline.
Comment: This sequence change replaces valine, which is neutral and non-polar, with alanine, which is neutral and non-polar, at codon 264 of the IFNGR1 protein (p.Val264Ala). This variant is present in population databases (no rsID available, gnomAD 0.0009%). This variant has not been reported in the literature in individuals affected with IFNGR1-related conditions. ClinVar contains an entry for this variant (Variation ID: 2319253). Invitae Evidence Modeling of protein sequence and biophysical properties (such as structural, functional, and spatial information, amino acid conservation, physicochemical variation, residue mobility, and thermodynamic stability) indicates that this missense variant is not expected to disrupt IFNGR1 protein function with a negative predictive value of 80%. In summary, the available evidence is currently insufficient to determine the role of this variant in disease. Therefore, it has been classified as a Variant of Uncertain Significance.

Ambry Genetics
Classification: Uncertain significance for Inborn genetic diseases. Last evaluated: 2022-10-26. Review status: criteria provided, single submitter. Criteria: Ambry Variant Classification Scheme 2023. Collection method: clinical testing. Allele origin: germline.

NM_000416.3(IFNGR1):c.791T>C (p.Val264Ala)

Gene: IFNGR1 (interferon gamma receptor 1; minus strand). Cytogenetic location: 6q23.3.
Variant type: single nucleotide variant.
Coding change: c.791T>C on transcript NM_000416.3 (MANE Select); coding-DNA position 791, T replaced by C.
Protein change: p.Val264Ala; replaces valine 264 with alanine.
Molecular consequence: missense variant.
Genome position (GRCh38, 1-based): chr6:137,200,951, A>G on the plus strand (T>C on the coding strand, the complement: IFNGR1 is on the minus strand). VCF-style: chr6-137200951-A-G. GRCh37 (hg19) VCF-style: chr6-137522088-A-G.
Other names: c.761T>C, p.Val254Ala (NM_001363526.1); c.668T>C, p.Val223Ala (NM_001363527.1); short protein forms V223A, V254A, V264A.
Identifiers: ClinVar variation 2319253 (VCV002319253.5), dbSNP rs1234791115, ClinGen allele CA365774103.
Genomic context (GRCh38, chr6:137,200,951, plus strand): 5'-GGTAATATTATGCTTTTTTCCTTCAATGGATTAATTTTCTTAATATAAAAACAGATGAAT[A>G]CCAGGCTAAGCACTAGAAAGAGTAGTAAAGCAGCAACAACTGGAATCCAAAGAGAACCTT-3'
Protein context (NP_000407.1, residues 254-274): ALLLFLVLSL[Val264Ala]FICFYIKKIN